The following is an entry in ClinVar:

NM_000341.4(SLC3A1):c.1812_1813del (p.Leu605fs)

Genes: PREPL (prolyl endopeptidase like; minus strand), SLC3A1 (solute carrier family 3 member 1; plus strand). Cytogenetic location: 2p21.
Variant type: Deletion.
Coding change: c.1812_1813del on transcript NM_000341.4 (MANE Select); coding-DNA positions 1812 to 1813, 2 bases deleted (GT; older notation c.1812_1813delGT).
Protein change: p.Leu605fs; shifts the reading frame from leucine 605.
Molecular consequence: frameshift variant. On other transcripts: 3 prime UTR variant (10).
Genome position (GRCh38, 1-based): chr2:44,320,393-44,320,394, GT deleted; deleting any 2 consecutive bases within chr2:44,320,392-44,320,394 gives the same sequence; the c. name uses the placement nearest the transcript's 3' end. VCF-style (leftmost placement, unchanged base first): chr2-44320391-CTG-C. GRCh37 (hg19) VCF-style: chr2-44547530-CTG-C.
Other names: c.*963_*964del (NM_001042385.2, NM_001042386.2, NM_001171603.1 and 7 more transcripts); short protein forms L605fs.
Identifiers: ClinVar variation 2734179 (VCV002734179.3), dbSNP rs2466021530, ClinGen allele CA913189080.

ClinVar aggregate classification (germline): Pathogenic (1 of 4 stars; one submission).

Conditions:
Cystinuria (CSNU). Also called: Cystinuria, non-type I; CYSTINURIA, TYPE I; CYSTINURIA, TYPE II; CYSTINURIA, TYPE III. Identifiers: Orphanet 214, MedGen C0010691, MONDO:0009067, OMIM 220100, HP:0003131.

Submission:

Labcorp Genetics (formerly Invitae), Labcorp
Classification: Pathogenic for Cystinuria. Last evaluated: 2022-12-25. Review status: criteria provided, single submitter. Criteria: Invitae Variant Classification Sherloc (09022015). Collection method: clinical testing. Allele origin: germline.
Comment: This premature translational stop signal has been observed in individual(s) with cystinuria (PMID: 9648062). This variant is also known as 1810delTG. This sequence change creates a premature translational stop signal (p.Leu605Lysfs*4) in the SLC3A1 gene. While this is not anticipated to result in nonsense mediated decay, it is expected to disrupt the last 81 amino acid(s) of the SLC3A1 protein. This variant is not present in population databases (gnomAD no frequency). This variant disrupts a region of the SLC3A1 protein in which other variant(s) (p.Arg671*) have been determined to be pathogenic (PMID: 10620184, 11260385, 32133030). This suggests that this is a clinically significant region of the protein, and that variants that disrupt it are likely to be disease-causing. For these reasons, this variant has been classified as Pathogenic.

Literature cited by the submitters: PubMed 9648062; PubMed 10620184; PubMed 11260385; PubMed 32133030.